The following is an entry in ClinVar:

ClinVar aggregate classification (germline): Uncertain significance (1 of 4 stars; one submission).

Conditions:
Hereditary cancer-predisposing syndrome. Also called: Neoplastic Syndromes, Hereditary; Tumor predisposition; Hereditary Cancer Syndrome; Hereditary neoplastic syndrome. Identifiers: Orphanet 140162, MedGen C0027672, MeSH D009386, MONDO:0015356.

Submission:

Ambry Genetics
Classification: Uncertain significance for Hereditary cancer-predisposing syndrome. Last evaluated: 2025-12-28. Review status: criteria provided, single submitter. Criteria: Ambry Variant Classification Scheme 2023. Collection method: clinical testing. Allele origin: germline.
Comment: The p.K676T variant (also known as c.2027A>C), located in coding exon 16 of the POLD1 gene, results from an A to C substitution at nucleotide position 2027. The lysine at codon 676 is replaced by threonine, an amino acid with similar properties. This amino acid position is conserved. In addition, this alteration is predicted to be tolerated by in silico analysis. Based on the available evidence, the clinical significance of this variant remains unclear.

NM_002691.4(POLD1):c.2027A>C (p.Lys676Thr)

Gene: POLD1 (DNA polymerase delta 1, catalytic subunit; plus strand). Cytogenetic location: 19q13.33.
Variant type: single nucleotide variant.
Coding change: c.2027A>C on transcript NM_002691.4 (MANE Select); coding-DNA position 2027, A replaced by C.
Protein change: p.Lys676Thr; replaces lysine 676 with threonine.
Molecular consequence: missense variant. On other transcripts: non-coding transcript variant (1).
Genome position (GRCh38, 1-based): chr19:50,409,539, A>C. VCF-style: chr19-50409539-A-C. GRCh37 (hg19) VCF-style: chr19-50912796-A-C.
Other names: c.2027A>C, p.Lys676Thr (NM_001256849.1, NM_001438210.1, NM_001438211.1 and 2 more transcripts); c.2105A>C, p.Lys702Thr (NM_001308632.1); short protein forms K702T, K676T.
Identifiers: ClinVar variation 4841597 (VCV004841597.1).
Genomic context (GRCh38, chr19:50,409,539, plus strand): 5'-AGGTGCCGCCTGAGTGTGCTTTCCCCGTGTTCCCTCGCAGGGCCAAGGCCGAGCTGGCCA[A>C]GGAGACAGACCCCCTCCGGCGCCAGGTCCTGGATGGACGGCAGCTGGCGCTGAAGGTGAG-3'
Protein context (NP_002682.2, residues 666-686): ARKRAKAELA[Lys676Thr]ETDPLRRQVL